The following is an entry in ClinVar:

NM_001142800.2(EYS):c.46A>T (p.Ser16Cys)

Gene: EYS (eyes shut homolog; minus strand). Cytogenetic location: 6q12.
Variant type: single nucleotide variant.
Coding change: c.46A>T on transcript NM_001142800.2 (MANE Select); coding-DNA position 46, A replaced by T.
Protein change: p.Ser16Cys; replaces serine 16 with cysteine.
Molecular consequence: missense variant.
Genome position (GRCh38, 1-based): chr6:65,495,365, T>A on the plus strand (A>T on the coding strand, the complement: EYS is on the minus strand). VCF-style: chr6-65495365-T-A. GRCh37 (hg19) VCF-style: chr6-66205258-T-A.
Other names: c.46A>T, p.Ser16Cys (NM_001142801.2, NM_001292009.2, NM_198283.2); short protein forms S16C.
Identifiers: ClinVar variation 1005421 (VCV001005421.6), dbSNP rs928137858, ClinGen allele CA140434993.

ClinVar aggregate classification (germline): Uncertain significance (1 of 4 stars; one submission).

Allele frequency attached by ClinVar (database versions not stated): TOPMed 0.00001; gnomAD 0.00001.
gnomAD v4.1: 2 of 1,613,198 alleles (0.00012%); highest among the groups gnomAD compares: African/African-American, 0.0013%; no homozygotes.

Submission:

Labcorp Genetics (formerly Invitae), Labcorp
Classification: Uncertain significance. Last evaluated: 2022-08-16. Review status: criteria provided, single submitter. Criteria: Invitae Variant Classification Sherloc (09022015). Collection method: clinical testing. Allele origin: germline.
Comment: This sequence change replaces serine, which is neutral and polar, with cysteine, which is neutral and slightly polar, at codon 16 of the EYS protein (p.Ser16Cys). This variant is present in population databases (no rsID available, gnomAD 0.01%). This variant has not been reported in the literature in individuals affected with EYS-related conditions. ClinVar contains an entry for this variant (Variation ID: 1005421). Algorithms developed to predict the effect of missense changes on protein structure and function output the following: SIFT: "Tolerated"; PolyPhen-2: "Possibly Damaging"; Align-GVGD: "Class C0". The cysteine amino acid residue is found in multiple mammalian species, which suggests that this missense change does not adversely affect protein function. In summary, the available evidence is currently insufficient to determine the role of this variant in disease. Therefore, it has been classified as a Variant of Uncertain Significance.